The following is an entry in ClinVar:

NM_014874.4(MFN2):c.1570C>T (p.Leu524Phe)

Gene: MFN2 (mitofusin 2; plus strand). Cytogenetic location: 1p36.22.
Variant type: single nucleotide variant.
Coding change: c.1570C>T on transcript NM_014874.4 (MANE Select); coding-DNA position 1570, C replaced by T.
Protein change: p.Leu524Phe; replaces leucine 524 with phenylalanine.
Molecular consequence: missense variant.
Genome position (GRCh38, 1-based): chr1:12,005,785, C>T. VCF-style: chr1-12005785-C-T. GRCh37 (hg19) VCF-style: chr1-12065842-C-T.
Other names: c.1570C>T, p.Leu524Phe (NM_001127660.2); short protein forms L524F.
Identifiers: ClinVar variation 1039119 (VCV001039119.8), dbSNP rs866494871, ClinGen allele CA18012259.

ClinVar aggregate classification (germline): Uncertain significance (1 of 4 stars; one submission).

Conditions:
Charcot-Marie-Tooth disease type 2. Also called: Charcot-Marie-Tooth type 2. Identifiers: Orphanet 64746, MedGen C0270914, MONDO:0018993.

Submission:

Labcorp Genetics (formerly Invitae), Labcorp
Classification: Uncertain significance for Charcot-Marie-Tooth disease type 2. Last evaluated: 2021-08-11. Review status: criteria provided, single submitter. Criteria: Invitae Variant Classification Sherloc (09022015). Collection method: clinical testing. Allele origin: germline.
Comment: In summary, the available evidence is currently insufficient to determine the role of this variant in disease. Therefore, it has been classified as a Variant of Uncertain Significance. Advanced modeling of protein sequence and biophysical properties (such as structural, functional, and spatial information, amino acid conservation, physicochemical variation, residue mobility, and thermodynamic stability) performed at Invitae indicates that this missense variant is expected to disrupt MFN2 protein function. This variant has not been reported in the literature in individuals with MFN2-related conditions. This variant is not present in population databases (ExAC no frequency). This sequence change replaces leucine with phenylalanine at codon 524 of the MFN2 protein (p.Leu524Phe). The leucine residue is highly conserved and there is a small physicochemical difference between leucine and phenylalanine.